The following is an entry in ClinVar:

ClinVar aggregate classification (germline): Uncertain significance. Review status: criteria provided, multiple submitters, no conflicts (2 of 4 stars). 3 submissions from 3 submitters: Uncertain significance (3). Last evaluated 2022-01-10.

Conditions:
Hereditary spastic paraplegia 48. Also called: Spastic paraplegia 48; SPASTIC PARAPLEGIA 48, AUTOSOMAL RECESSIVE. Identifiers: Orphanet 306511, MedGen C3150901, MONDO:0013342, OMIM 613647.
Inborn genetic diseases. Identifiers: MedGen C0950123, MeSH D030342.
Hereditary spastic paraplegia. Also called: Familial spastic paraparesis. Identifiers: Orphanet 685, MedGen C0037773, MONDO:0019064. Disease mechanism: loss of function.

Allele frequency attached by ClinVar (database versions not stated): ExAC below 0.00001; TOPMed 0.00004; gnomAD 0.00009; 1000 Genomes Project 30x 0.00016; ESP Exome Variant Server 0.00017; 1000 Genomes Project 0.00020.

Submissions (3):

Ambry Genetics
Classification: Uncertain significance for Inborn genetic diseases. Last evaluated: 2022-01-10. Review status: criteria provided, single submitter. Criteria: Ambry Variant Classification Scheme 2023. Collection method: clinical testing. Allele origin: germline.

Labcorp Genetics (formerly Invitae), Labcorp
Classification: Uncertain significance for Hereditary spastic paraplegia 48. Last evaluated: 2021-10-14. Review status: criteria provided, single submitter. Criteria: Invitae Variant Classification Sherloc (09022015). Collection method: clinical testing. Allele origin: germline.
Comment: This sequence change replaces glycine with serine at codon 599 of the AP5Z1 protein (p.Gly599Ser). The glycine residue is weakly conserved and there is a small physicochemical difference between glycine and serine. The frequency data for this variant in the population databases is considered unreliable, as metrics indicate poor data quality at this position in the ExAC database. This variant has not been reported in the literature in individuals affected with AP5Z1-related conditions. Algorithms developed to predict the effect of missense changes on protein structure and function output the following: SIFT: "Tolerated"; PolyPhen-2: "Benign"; Align-GVGD: "Class C0". The serine amino acid residue is found in multiple mammalian species, which suggests that this missense change does not adversely affect protein function. In summary, the available evidence is currently insufficient to determine the role of this variant in disease. Therefore, it has been classified as a Variant of Uncertain Significance.

Genome Diagnostics Laboratory, The Hospital for Sick Children
Classification: Uncertain significance for Hereditary spastic paraplegia. Last evaluated: 2020-08-11. Review status: criteria provided, single submitter. Criteria: ACMG Guidelines, 2015. Collection method: clinical testing. Allele origin: germline. Affected: yes.

NM_014855.3(AP5Z1):c.1795G>A (p.Gly599Ser)

Gene: AP5Z1 (adaptor related protein complex 5 subunit zeta 1; plus strand). Cytogenetic location: 7p22.1.
Variant type: single nucleotide variant.
Coding change: c.1795G>A on transcript NM_014855.3 (MANE Select); coding-DNA position 1795, G replaced by A.
Protein change: p.Gly599Ser; replaces glycine 599 with serine.
Molecular consequence: missense variant. On other transcripts: non-coding transcript variant (1).
Genome position (GRCh38, 1-based): chr7:4,789,919, G>A. VCF-style: chr7-4789919-G-A. GRCh37 (hg19) VCF-style: chr7-4829550-G-A.
Other names: c.1327G>A, p.Gly443Ser (NM_001364858.1); short protein forms G599S, G443S.
Identifiers: ClinVar variation 963587 (VCV000963587.9), dbSNP rs369917291, ClinGen allele CA4138029.